The following is an entry in ClinVar:

NM_004415.4(DSP):c.6476A>T (p.Tyr2159Phe)

Gene: DSP (desmoplakin; plus strand). Cytogenetic location: 6p24.3.
Variant type: single nucleotide variant.
Coding change: c.6476A>T on transcript NM_004415.4 (MANE Select); coding-DNA position 6476, A replaced by T.
Protein change: p.Tyr2159Phe; replaces tyrosine 2159 with phenylalanine.
Molecular consequence: missense variant.
Genome position (GRCh38, 1-based): chr6:7,583,738, A>T. VCF-style: chr6-7583738-A-T. GRCh37 (hg19) VCF-style: chr6-7583971-A-T.
Other names: c.4679A>T, p.Tyr1560Phe (NM_001008844.3); c.5147A>T, p.Tyr1716Phe (NM_001319034.2); short protein forms Y1560F, Y2159F, Y1716F.
Identifiers: ClinVar variation 918830 (VCV000918830.17), dbSNP rs1581822548, ClinGen allele CA362690874.

ClinVar aggregate classification (germline): Uncertain significance. Review status: criteria provided, multiple submitters, no conflicts (2 of 4 stars). 5 submissions from 5 submitters: Uncertain significance (5). Last evaluated 2025-07-08.

Conditions:
Arrhythmogenic cardiomyopathy with wooly hair and keratoderma. Also called: PALMOPLANTAR KERATODERMA WITH LEFT VENTRICULAR CARDIOMYOPATHY AND WOOLLY HAIR; Carvajal syndrome; Dilated cardiomyopathy with woolly hair and keratoderma; Arrhythmogenic cardiomyopathy with woolly hair and keratoderma. Identifiers: Orphanet 65282, MedGen C1854063, MONDO:0011581, OMIM 605676.
Arrhythmogenic right ventricular dysplasia 8 (ARVD8). Also called: Arrhythmogenic Right Ventricular Dysplasia/Cardiomyopathy 8; ARRHYTHMOGENIC RIGHT VENTRICULAR DYSPLASIA, FAMILIAL, 8; ARRHYTHMOGENIC RIGHT VENTRICULAR CARDIOMYOPATHY 8. Identifiers: MedGen C1843896, MONDO:0011831, OMIM 607450.
Cardiovascular phenotype. Identifiers: MedGen CN230736.
Woolly hair-skin fragility syndrome (WHSF). Identifiers: Orphanet 293165, MedGen C1843292, MONDO:0957307, OMIM 620415.
Cardiomyopathy, dilated, with wooly hair, keratoderma, and tooth agenesis. Also called: Cardiomyopathy, dilated, with woolly hair, keratoderma, and tooth agenesis; Erythrokeratodermia-cardiomyopathy syndrome. Identifiers: Orphanet 476096, Orphanet 65282, MedGen C4014393, MONDO:0014355, OMIM 615821.
Lethal acantholytic epidermolysis bullosa (EBLA). Identifiers: Orphanet 158687, MedGen C1864826, MONDO:0012323, OMIM 609638.
Keratosis palmoplantaris striata 2. Also called: KERATODERMA, PALMOPLANTAR, STRIATE FORM II; STRIATE PALMOPLANTAR KERATODERMA II; Keratosis palmoplantaris striata II. Identifiers: MedGen C1852127, MONDO:0013034, OMIM 612908.
Cardiomyopathy (CMYO). Also called: Cardiomyopathies. Identifiers: Orphanet 167848, MedGen C0878544, MONDO:0004994, HP:0001638. Inheritance: Various modes of inheritance.

Allele frequency attached by ClinVar (database versions not stated): gnomAD exomes below 0.00001; gnomAD 0.00002; TOPMed 0.00002.
gnomAD v4.1: 5 of 1,613,974 alleles (0.00031%); highest among the groups gnomAD compares: African/African-American, 0.0053%; no homozygotes.

Submissions (5):

Labcorp Genetics (formerly Invitae), Labcorp
Classification: Uncertain significance for Arrhythmogenic cardiomyopathy with wooly hair and keratoderma; Arrhythmogenic right ventricular dysplasia 8. Last evaluated: 2025-07-08. Review status: criteria provided, single submitter. Criteria: Invitae Variant Classification Sherloc (09022015). Collection method: clinical testing. Allele origin: germline.
Comment: This sequence change replaces tyrosine, which is neutral and polar, with phenylalanine, which is neutral and non-polar, at codon 2159 of the DSP protein (p.Tyr2159Phe). This variant is not present in population databases (gnomAD no frequency). This variant has not been reported in the literature in individuals affected with DSP-related conditions. ClinVar contains an entry for this variant (Variation ID: 918830). An algorithm developed to predict the effect of missense changes on protein structure and function (PolyPhen-2) suggests that this variant is likely to be disruptive. In summary, the available evidence is currently insufficient to determine the role of this variant in disease. Therefore, it has been classified as a Variant of Uncertain Significance.

All of Us Research Program, National Institutes of Health
Classification: Uncertain significance for Arrhythmogenic cardiomyopathy with wooly hair and keratoderma. Last evaluated: 2024-04-30. Review status: criteria provided, single submitter. Criteria: ACMG Guidelines, 2015. Collection method: clinical testing. Allele origin: germline. Inheritance: Autosomal dominant inheritance. Observed: 2 variant alleles, 2 heterozygotes.
Comment: This study involves interpretation of variants in research participants for the purpose of population health screening. Participant phenotype was not available at the time of variant classification. Additional details can be found in publication PMID: 35346344, PMCID: PMC8962531

Color Diagnostics, LLC DBA Color Health
Classification: Uncertain significance for Cardiomyopathy. Last evaluated: 2023-12-04. Review status: criteria provided, single submitter. Criteria: ACMG Guidelines, 2015. Collection method: clinical testing. Allele origin: germline.
Comment: Variant of Uncertain Significance due to insufficient evidence: This missense variant is located in the C-terminal plakin repeat domain A of the DSP protein. Computational prediction tools and conservation analyses are inconclusive regarding the impact of this variant on the protein function. Computational splicing tools suggest that this variant may not impact RNA splicing. To our knowledge, functional assays have not been performed for this variant nor has this variant been reported in individuals affected with cardiovascular disorders in the literature. This variant is rare in the general population and has been identified in 0/277264 chromosomes by the Genome Aggregation Database (gnomAD). Available evidence is insufficient to determine the role of this variant in disease conclusively.

Fulgent Genetics
Classification: Uncertain significance for Arrhythmogenic cardiomyopathy with wooly hair and keratoderma; Arrhythmogenic right ventricular dysplasia 8; Lethal acantholytic epidermolysis bullosa; Keratosis palmoplantaris striata 2; Cardiomyopathy, dilated, with wooly hair, keratoderma, and tooth agenesis. Last evaluated: 2021-10-20. Review status: criteria provided, single submitter. Criteria: ACMG Guidelines, 2015. Collection method: clinical testing. Allele origin: unknown.

Ambry Genetics
Classification: Uncertain significance for Cardiovascular phenotype. Last evaluated: 2020-12-22. Review status: criteria provided, single submitter. Criteria: Ambry Variant Classification Scheme 2023. Collection method: clinical testing. Allele origin: germline.
Comment: The p.Y2159F variant (also known as c.6476A>T), located in coding exon 24 of the DSP gene, results from an A to T substitution at nucleotide position 6476. The tyrosine at codon 2159 is replaced by phenylalanine, an amino acid with highly similar properties. This amino acid position is highly conserved in available vertebrate species. In addition, the in silico prediction for this alteration is inconclusive. Since supporting evidence is limited at this time, the clinical significance of this alteration remains unclear.